The following is an entry in ClinVar:

ClinVar aggregate classification (germline): Benign/Likely benign. Review status: criteria provided, multiple submitters, no conflicts (2 of 4 stars). 6 submissions from 6 submitters: Benign (3); Likely benign (3). Last evaluated 2026-09-09.

Conditions:
Hereditary cancer-predisposing syndrome. Also called: Hereditary Cancer Syndrome; Tumor predisposition; Hereditary neoplastic syndrome; Neoplastic Syndromes, Hereditary. Identifiers: Orphanet 140162, MedGen C0027672, MeSH D009386, MONDO:0015356.
SMARCA4-related disorder. Also called: SMARCA4-related condition.
Intellectual disability, autosomal dominant 16 (CSS4). Also called: COFFIN-SIRIS SYNDROME 4. Identifiers: Orphanet 1465, MedGen C3553249, MONDO:0013821, OMIM 614609.
Rhabdoid tumor predisposition syndrome 2 (RTPS2). Identifiers: Orphanet 231108, Orphanet 69077, MedGen C2750074, MONDO:0013224, OMIM 613325.

Allele frequency attached by ClinVar (database versions not stated): 1000 Genomes Project 30x 0.00016; gnomAD 0.00007 and 0.00004; gnomAD exomes 0.00012; ExAC 0.00014; 1000 Genomes Project 0.00020; TOPMed 0.00005.
gnomAD v4.1: 188 of 1,614,030 alleles (0.012%); highest among the groups gnomAD compares: South Asian, 0.099%; no homozygotes.

Submissions (6):

PreventionGenetics, part of Exact Sciences
Classification: Likely benign for SMARCA4-related condition. Last evaluated: 2026-09-09. Review status: criteria provided, single submitter. Criteria: ACMG Guidelines, 2015. Collection method: clinical testing. Allele origin: germline.
Comment: This variant is classified as likely benign based on ACMG/AMP sequence variant interpretation guidelines (Richards et al. 2015 PMID: 25741868, with internal and published modifications).

Myriad Genetics, Inc.
Classification: Benign for Rhabdoid tumor predisposition syndrome 2. Last evaluated: 2026-07-13. Review status: criteria provided, single submitter. Criteria: Myriad Autosomal Dominant, Autosomal Recessive and X-Linked Classification Criteria (2023). Collection method: clinical testing. Allele origin: unknown.
Comment: This variant is considered benign. This variant is a silent/synonymous amino acid change and it is not expected to impact splicing.

Labcorp Genetics (formerly Invitae), Labcorp
Classification: Benign for Rhabdoid tumor predisposition syndrome 2. Last evaluated: 2026-01-28. Review status: criteria provided, single submitter. Criteria: Invitae Variant Classification Sherloc (09022015). Collection method: clinical testing. Allele origin: germline.

Sema4
Classification: Likely benign for Hereditary cancer-predisposing syndrome. Last evaluated: 2021-10-25. Review status: criteria provided, single submitter. Criteria: Sema4 Curation Guidelines. Collection method: curation. Allele origin: germline.

Genome-Nilou Lab
Classification: Benign for Intellectual disability, autosomal dominant 16. Last evaluated: 2021-07-15. Review status: criteria provided, single submitter. Criteria: ACMG Guidelines, 2015. Collection method: clinical testing. Allele origin: germline. Affected: no.

Ambry Genetics
Classification: Likely benign for Hereditary cancer-predisposing syndrome. Last evaluated: 2015-07-20. Review status: criteria provided, single submitter. Criteria: Ambry Variant Classification Scheme 2023. Collection method: clinical testing. Allele origin: germline.

NM_003072.5(SMARCA4):c.2199C>T (p.Ala733=)

Gene: SMARCA4 (SWI/SNF related BAF chromatin remodeling complex subunit ATPase 4; plus strand). Cytogenetic location: 19p13.2.
Variant type: single nucleotide variant.
Coding change: c.2199C>T on transcript NM_003072.5 (MANE Select); coding-DNA position 2199, C replaced by T.
Protein change: p.Ala733=; no amino-acid change (alanine 733 retained).
Molecular consequence: synonymous variant. On other transcripts: non-coding transcript variant (1).
Genome position (GRCh38, 1-based): chr19:11,010,456, C>T. VCF-style: chr19-11010456-C-T. GRCh37 (hg19) VCF-style: chr19-11121132-C-T.
Other names: c.2199C>T, p.Ala733= (NM_001128844.3, NM_001128845.2, NM_001128846.2 and 5 more transcripts).
Identifiers: ClinVar variation 238394 (VCV000238394.21), dbSNP rs538629432, ClinGen allele CA9204035.